The following is an entry in ClinVar:

NM_032444.4(SLX4):c.742G>C (p.Glu248Gln)

Gene: SLX4 (SLX4 structure-specific endonuclease subunit; minus strand). Cytogenetic location: 16p13.3.
Variant type: single nucleotide variant.
Coding change: c.742G>C on transcript NM_032444.4 (MANE Select); coding-DNA position 742, G replaced by C.
Protein change: p.Glu248Gln; replaces glutamic acid 248 with glutamine.
Molecular consequence: missense variant.
Genome position (GRCh38, 1-based): chr16:3,606,492, C>G on the plus strand (G>C on the coding strand, the complement: SLX4 is on the minus strand). VCF-style: chr16-3606492-C-G. GRCh37 (hg19) VCF-style: chr16-3656493-C-G.
Other names: short protein forms E248Q.
Identifiers: ClinVar variation 2159802 (VCV002159802.3), dbSNP rs148547201, ClinGen allele CA394533122.

ClinVar aggregate classification (germline): Uncertain significance (1 of 4 stars; one submission).

Conditions:
Fanconi anemia (FA). Also called: Fanconi's anemia. Identifiers: Orphanet 84, MedGen C0015625, MeSH D005199, MONDO:0019391.

gnomAD v4.1: 5 of 1,614,230 alleles (0.00031%); highest among the groups gnomAD compares: Non-Finnish European, 0.00034%; no homozygotes.

Submission:

Labcorp Genetics (formerly Invitae), Labcorp
Classification: Uncertain significance for Fanconi anemia. Last evaluated: 2024-12-27. Review status: criteria provided, single submitter. Criteria: Invitae Variant Classification Sherloc (09022015). Collection method: clinical testing. Allele origin: germline.
Comment: This sequence change replaces glutamic acid, which is acidic and polar, with glutamine, which is neutral and polar, at codon 248 of the SLX4 protein (p.Glu248Gln). This variant is not present in population databases (gnomAD no frequency). This variant has not been reported in the literature in individuals affected with SLX4-related conditions. ClinVar contains an entry for this variant (Variation ID: 2159802). An algorithm developed to predict the effect of missense changes on protein structure and function (PolyPhen-2) suggests that this variant¬†is likely to be tolerated. In summary, the available evidence is currently insufficient to determine the role of this variant in disease. Therefore, it has been classified as a Variant of Uncertain Significance.